The following is an entry in ClinVar:

ClinVar aggregate classification (germline): Uncertain significance. Review status: criteria provided, multiple submitters, no conflicts (2 of 4 stars). 2 submissions from 2 submitters: Uncertain significance (2). Last evaluated 2025-07-02.

Conditions:
Inborn genetic diseases. Identifiers: MedGen C0950123, MeSH D030342.

Allele frequency attached by ClinVar (database versions not stated): ExAC 0.00001; gnomAD 0.00001; gnomAD exomes 0.00001; TOPMed 0.00003.
gnomAD v4.1: 31 of 1,614,128 alleles (0.0019%); highest among the groups gnomAD compares: African/African-American, 0.0053%; no homozygotes.

Submissions (2):

Ambry Genetics
Classification: Uncertain significance for Inborn genetic diseases. Last evaluated: 2025-07-02. Review status: criteria provided, single submitter. Criteria: Ambry Variant Classification Scheme 2023. Collection method: clinical testing. Allele origin: germline.

Labcorp Genetics (formerly Invitae), Labcorp
Classification: Uncertain significance. Last evaluated: 2024-08-07. Review status: criteria provided, single submitter. Criteria: Invitae Variant Classification Sherloc (09022015). Collection method: clinical testing. Allele origin: germline.
Comment: This sequence change replaces arginine, which is basic and polar, with cysteine, which is neutral and slightly polar, at codon 2311 of the NBAS protein (p.Arg2311Cys). This variant is present in population databases (rs769181635, gnomAD 0.008%). This variant has not been reported in the literature in individuals affected with NBAS-related conditions. ClinVar contains an entry for this variant (Variation ID: 1479298). Advanced modeling of protein sequence and biophysical properties (such as structural, functional, and spatial information, amino acid conservation, physicochemical variation, residue mobility, and thermodynamic stability) performed at Invitae indicates that this missense variant is not expected to disrupt NBAS protein function with a negative predictive value of 95%. In summary, the available evidence is currently insufficient to determine the role of this variant in disease. Therefore, it has been classified as a Variant of Uncertain Significance.

NM_015909.4(NBAS):c.6931C>T (p.Arg2311Cys)

Gene: NBAS (NBAS subunit of NRZ tethering complex; minus strand). Cytogenetic location: 2p24.3.
Variant type: single nucleotide variant.
Coding change: c.6931C>T on transcript NM_015909.4 (MANE Select); coding-DNA position 6931, C replaced by T.
Protein change: p.Arg2311Cys; replaces arginine 2311 with cysteine.
Molecular consequence: missense variant. On other transcripts: non-coding transcript variant (1).
Genome position (GRCh38, 1-based): chr2:15,167,233, G>A on the plus strand (C>T on the coding strand, the complement: NBAS is on the minus strand). VCF-style: chr2-15167233-G-A. GRCh37 (hg19) VCF-style: chr2-15307357-G-A.
Other names: c.6931C>T (NM_015909.2); short protein forms R2311C.
Identifiers: ClinVar variation 1479298 (VCV001479298.7), dbSNP rs769181635, ClinGen allele CA1534813.